The following is an entry in ClinVar:

ClinVar aggregate classification (germline): Pathogenic/Likely pathogenic. Review status: criteria provided, multiple submitters, no conflicts (2 of 4 stars). 4 submissions from 4 submitters: Pathogenic (1); Likely pathogenic (3). Last evaluated 2026-04-23.

Conditions:
RHO-related disorder. Also called: RHO-related condition.
Retinitis pigmentosa 4 (RP4). Also called: RETINITIS PIGMENTOSA, RHODOPSIN-RELATED. Identifiers: Orphanet 791, MedGen C3151001, MONDO:0013395, OMIM 613731.
Retinal disorder. Also called: Retinopathy; Retinopathies; Retinal Diseases; Retinal disorders. Identifiers: MedGen C0035309, MONDO:0005283, HP:0000488.

Allele frequency attached by ClinVar (database versions not stated): gnomAD exomes below 0.00001.
gnomAD v4.1: 1 of 1,613,614 alleles (0.000062%); highest among the groups gnomAD compares: Non-Finnish European, 0.000085%; no homozygotes.

Submissions (4):

North West Genomic Laboratory Hub, Manchester University NHS Foundation Trust
Classification: Likely pathogenic for Retinal disorders. Last evaluated: 2026-04-23. Review status: criteria provided, single submitter. Criteria: ACGS Best Practice Guidelines for Variant Classification in Rare Disease 2024. Collection method: clinical testing. Allele origin: germline. Affected: yes.
Comment: PM2_Mod PS4_Mod PM5_Str

Labcorp Genetics (formerly Invitae), Labcorp
Classification: Pathogenic. Last evaluated: 2025-08-12. Review status: criteria provided, single submitter. Criteria: Invitae Variant Classification Sherloc (09022015). Collection method: clinical testing. Allele origin: germline.
Comment: This sequence change replaces valine, which is neutral and non-polar, with alanine, which is neutral and non-polar, at codon 345 of the RHO protein (p.Val345Ala). This variant is not present in population databases (gnomAD no frequency). This missense change has been observed in individuals with autosomal dominant retinitis pigmentosa (PMID: 30029497; internal data). ClinVar contains an entry for this variant (Variation ID: 802008). Invitae Evidence Modeling of protein sequence and biophysical properties (such as structural, functional, and spatial information, amino acid conservation, physicochemical variation, residue mobility, and thermodynamic stability) indicates that this missense variant is expected to disrupt RHO protein function with a positive predictive value of 95%. This variant disrupts the p.Val345 amino acid residue in RHO. Other variant(s) that disrupt this residue have been determined to be pathogenic (PMID: 24938718; RQ863805). This suggests that this residue is clinically significant, and that variants that disrupt this residue are likely to be disease-causing. For these reasons, this variant has been classified as Pathogenic.

Blueprint Genetics
Classification: Likely pathogenic for RHO-related disorders. Last evaluated: 2023-11-07. Review status: criteria provided, single submitter. Criteria: ACMG Guidelines, 2015. Collection method: clinical testing. Allele origin: germline. Affected: yes. Observed: 3 variant alleles.

Mendelics
Classification: Likely pathogenic for Retinitis pigmentosa 4. Last evaluated: 2019-05-28. Review status: criteria provided, single submitter. Criteria: Mendelics Assertion Criteria 2017. Collection method: clinical testing. Allele origin: unknown.

Literature cited by the submitters: PubMed 30029497 (cited by Labcorp Genetics (formerly Invitae), Labcorp); PubMed 24938718 (cited by Labcorp Genetics (formerly Invitae), Labcorp); PubMed 863805 (cited by Labcorp Genetics (formerly Invitae), Labcorp).

NM_000539.3(RHO):c.1034T>C (p.Val345Ala)

Gene: RHO (rhodopsin; plus strand). Cytogenetic location: 3q22.1.
Variant type: single nucleotide variant.
Coding change: c.1034T>C on transcript NM_000539.3 (MANE Select); coding-DNA position 1034, T replaced by C.
Protein change: p.Val345Ala; replaces valine 345 with alanine.
Molecular consequence: missense variant.
Genome position (GRCh38, 1-based): chr3:129,533,705, T>C. VCF-style: chr3-129533705-T-C. GRCh37 (hg19) VCF-style: chr3-129252548-T-C.
Other names: short protein forms V345A.
Identifiers: ClinVar variation 802008 (VCV000802008.11), dbSNP rs1578281706, ClinGen allele CA354471270.